The following is an entry in ClinVar:

ClinVar aggregate classification (germline): Uncertain significance. Review status: criteria provided, multiple submitters, no conflicts (2 of 4 stars). 2 submissions from 2 submitters: Uncertain significance (2). Last evaluated 2022-08-08.

Conditions:
Inborn genetic diseases. Identifiers: MedGen C0950123, MeSH D030342.

Allele frequency attached by ClinVar (database versions not stated): TOPMed 0.00003.

Submissions (2):

Ambry Genetics
Classification: Uncertain significance for Inborn genetic diseases. Last evaluated: 2022-08-08. Review status: criteria provided, single submitter. Criteria: Ambry Variant Classification Scheme 2023. Collection method: clinical testing. Allele origin: germline.

Labcorp Genetics (formerly Invitae), Labcorp
Classification: Uncertain significance. Last evaluated: 2021-08-30. Review status: criteria provided, single submitter. Criteria: Invitae Variant Classification Sherloc (09022015). Collection method: clinical testing. Allele origin: germline.
Comment: This sequence change replaces leucine with valine at codon 603 of the GPAA1 protein (p.Leu603Val). The leucine residue is moderately conserved and there is a small physicochemical difference between leucine and valine. This variant is not present in population databases (ExAC no frequency). This variant has not been reported in the literature in individuals affected with GPAA1-related conditions. Algorithms developed to predict the effect of missense changes on protein structure and function output the following: SIFT: "Tolerated"; PolyPhen-2: "Benign"; Align-GVGD: "Class C0". The valine amino acid residue is found in multiple mammalian species, which suggests that this missense change does not adversely affect protein function. In summary, the available evidence is currently insufficient to determine the role of this variant in disease. Therefore, it has been classified as a Variant of Uncertain Significance.

NM_003801.4(GPAA1):c.1807C>G (p.Leu603Val)

Gene: GPAA1 (glycosylphosphatidylinositol anchor attachment 1; plus strand). Cytogenetic location: 8q24.3.
Variant type: single nucleotide variant.
Coding change: c.1807C>G on transcript NM_003801.4 (MANE Select); coding-DNA position 1807, C replaced by G.
Protein change: p.Leu603Val; replaces leucine 603 with valine.
Molecular consequence: missense variant.
Genome position (GRCh38, 1-based): chr8:144,086,066, C>G. VCF-style: chr8-144086066-C-G. GRCh37 (hg19) VCF-style: chr8-145140969-C-G.
Other names: c.1807C>G (NM_003801.3); short protein forms L603V.
Identifiers: ClinVar variation 1350926 (VCV001350926.6), dbSNP rs535715141, ClinGen allele CA372509656.